The following is an entry in ClinVar:

ClinVar aggregate classification (germline): Uncertain significance (1 of 4 stars; one submission).

Conditions:
Hereditary cancer-predisposing syndrome. Also called: Hereditary neoplastic syndrome; Neoplastic Syndromes, Hereditary; Tumor predisposition; Hereditary Cancer Syndrome. Identifiers: Orphanet 140162, MedGen C0027672, MeSH D009386, MONDO:0015356.

Submission:

Ambry Genetics
Classification: Uncertain significance for Hereditary cancer-predisposing syndrome. Last evaluated: 2025-08-27. Review status: criteria provided, single submitter. Criteria: Ambry Variant Classification Scheme 2023. Collection method: clinical testing. Allele origin: germline.
Comment: The p.A240E variant (also known as c.719C>A), located in coding exon 9 of the MUTYH gene, results from a C to A substitution at nucleotide position 719. The alanine at codon 240 is replaced by glutamic acid, an amino acid with dissimilar properties. This amino acid position is conserved. In addition, the in silico prediction for this alteration is inconclusive. Based on the available evidence, the clinical significance of this variant remains unclear.

NM_001048174.2(MUTYH):c.635C>A (p.Ala212Glu)

Gene: MUTYH (mutY DNA glycosylase; minus strand). Cytogenetic location: 1p34.1.
Variant type: single nucleotide variant.
Coding change: c.635C>A on transcript NM_001048174.2 (MANE Select); coding-DNA position 635, C replaced by A.
Protein change: p.Ala212Glu; replaces alanine 212 with glutamic acid.
Molecular consequence: missense variant. On other transcripts: non-coding transcript variant (7).
Genome position (GRCh38, 1-based): chr1:45,332,460, G>T on the plus strand (C>A on the coding strand, the complement: MUTYH is on the minus strand). VCF-style: chr1-45332460-G-T. GRCh37 (hg19) VCF-style: chr1-45798132-G-T.
Other names: c.635C>A, p.Ala212Glu (NM_001048171.2, NM_001407070.1, NM_001407072.1 and 6 more transcripts); c.638C>A, p.Ala213Glu (NM_001048172.2, NM_001407071.1, NM_001407078.1 and 1 more transcripts); c.290C>A, p.Ala97Glu (NM_001350651.2, NM_001350650.2, NM_001407082.1); c.668C>A, p.Ala223Glu (NM_001407069.1, NM_001407077.1, NM_001293191.2); c.551C>A, p.Ala184Glu (NM_001407075.1); c.359C>A, p.Ala120Glu (NM_001407091.1, NM_001293192.2, NM_001293196.2); c.710C>A, p.Ala237Glu (NM_012222.3); c.719C>A, p.Ala240Glu (NM_001128425.2); and 5 more; short protein forms A198E, A212E, A97E, A226E, A227E, A213E, A240E, A120E.
Identifiers: ClinVar variation 4113803 (VCV004113803.1).